The following is an entry in ClinVar:

NM_004239.4(TRIP11):c.4471A>G (p.Met1491Val)

Gene: TRIP11 (thyroid hormone receptor interactor 11; minus strand). Cytogenetic location: 14q32.12.
Variant type: single nucleotide variant.
Coding change: c.4471A>G on transcript NM_004239.4 (MANE Select); coding-DNA position 4471, A replaced by G.
Protein change: p.Met1491Val; replaces methionine 1491 with valine.
Molecular consequence: missense variant.
Genome position (GRCh38, 1-based): chr14:92,003,505, T>C on the plus strand (A>G on the coding strand, the complement: TRIP11 is on the minus strand). VCF-style: chr14-92003505-T-C. GRCh37 (hg19) VCF-style: chr14-92469849-T-C.
Other names: c.4468A>G, p.Met1490Val (NM_001321851.1); short protein forms M1491V, M1490V.
Identifiers: ClinVar variation 4977655 (VCV004977655.1).
Genomic context (GRCh38, chr14:92,003,505, plus strand): 5'-CAAAAGCAAGAGCCTTCTCCTTCATTGAGTGGCACTCAAACTCTTTTTCTCGCAGCATCA[T>C]AGAAAACTTCATGTTAGTCTCTTGTAACGCTTGATATTCTGTTTCCTTTCCCCTGTATGT-3'
Protein context (NP_004230.2, residues 1481-1501): ALQETNMKFS[Met1491Val]MLREKEFECH

ClinVar aggregate classification (germline): Uncertain significance (1 of 4 stars; one submission).

Conditions:
TRIP11-related disorder. Also called: TRIP11-related condition; TRIP11-Related Disorders.

Submission:

PreventionGenetics, part of Exact Sciences
Classification: Uncertain significance for TRIP11-related condition. Last evaluated: 2025-12-09. Review status: criteria provided, single submitter. Criteria: ACMG Guidelines, 2015. Collection method: clinical testing. Allele origin: germline.
Comment: The TRIP11 c.4471A>G variant is predicted to result in the amino acid substitution p.Met1491Val. To our knowledge, this variant has not been reported in the literature. This variant is reported in 0.0026% of alleles in individuals of European (Non-Finnish) descent in gnomAD. At this time, the clinical significance of this variant is uncertain due to the absence of conclusive functional and genetic evidence.